The following is an entry in ClinVar:

NM_001297.5(CNGB1):c.595C>T (p.Arg199Cys)

Gene: CNGB1 (cyclic nucleotide gated channel subunit beta 1; minus strand). Cytogenetic location: 16q21.
Variant type: single nucleotide variant.
Coding change: c.595C>T on transcript NM_001297.5 (MANE Select); coding-DNA position 595, C replaced by T.
Protein change: p.Arg199Cys; replaces arginine 199 with cysteine.
Molecular consequence: missense variant.
Genome position (GRCh38, 1-based): chr16:57,960,054, G>A on the plus strand (C>T on the coding strand, the complement: CNGB1 is on the minus strand). VCF-style: chr16-57960054-G-A. GRCh37 (hg19) VCF-style: chr16-57993958-G-A.
Other names: c.595C>T, p.Arg199Cys (NM_001135639.2); c.577C>T, p.Arg193Cys (NM_001286130.2); short protein forms R199C, R193C.
Identifiers: ClinVar variation 938522 (VCV000938522.16), dbSNP rs199583058, ClinGen allele CA8083737.
Genomic context (GRCh38, chr16:57,960,054, plus strand): 5'-TGGGTGTGGGCAGGGAGGGGGTCTCCCGGGCCTGCAGCTTGGGCCCCATTTCCTGGGGGC[G>A]TCCTGGAGGCGCTAAGCAGCGGGGAAAGCAGGAGCTAGAGACGCCATCCCTTGAGGGCTT-3'
Protein context (NP_001288.3, residues 189-209): GAASDPAPPG[Arg199Cys]PQEMGPKLQA

ClinVar aggregate classification (germline): Conflicting classifications of pathogenicity. Review status: criteria provided, conflicting classifications (1 of 4 stars). 7 submissions from 7 submitters: Uncertain significance (3); Benign (1); Likely benign (1). 2 of the submissions do not count toward it. Last evaluated 2026-01-30.

Conditions:
CNGB1-related disorder. Also called: CNGB1-related condition.
Retinal dystrophy. Also called: Inherited retinal dystrophy. Identifiers: Orphanet 71862, MedGen C0854723, MeSH D058499, MONDO:0019118, HP:0000556.
Retinitis pigmentosa 45 (RP45). Identifiers: Orphanet 791, MedGen C3151066, MONDO:0013413, OMIM 613767.
Inborn genetic diseases. Identifiers: MedGen C0950123, MeSH D030342.

Allele frequency attached by ClinVar (database versions not stated): gnomAD exomes 0.00020 and 0.00031; ExAC 0.00030; gnomAD 0.00054 and 0.00056; ESP Exome Variant Server 0.00067; TOPMed 0.00071; 1000 Genomes Project 0.00100; 1000 Genomes Project 30x 0.00156.
gnomAD v4.1: 368 of 1,556,376 alleles (0.024%); highest among the groups gnomAD compares: African/African-American, 0.19%; 1 homozygote.

Submissions (7):

Labcorp Genetics (formerly Invitae), Labcorp
Classification: Benign. Last evaluated: 2026-01-30. Review status: criteria provided, single submitter. Criteria: Invitae Variant Classification Sherloc (09022015). Collection method: clinical testing. Allele origin: germline.

Revvity Omics, Revvity
Classification: Uncertain significance for Retinitis pigmentosa 45. Last evaluated: 2025-06-09. Review status: criteria provided, single submitter. Criteria: ACMG Guidelines, 2015. Collection method: clinical testing. Allele origin: germline.

Ambry Genetics
Classification: Uncertain significance for Inborn genetic diseases. Last evaluated: 2024-09-25. Review status: criteria provided, single submitter. Criteria: Ambry Variant Classification Scheme 2023. Collection method: clinical testing. Allele origin: germline.

Blueprint Genetics
Classification: Likely benign. Last evaluated: 2024-09-23. Review status: criteria provided, single submitter. Criteria: ACMG Guidelines, 2015. Collection method: clinical testing. Allele origin: germline.

Fulgent Genetics
Classification: Uncertain significance for Retinitis pigmentosa 45. Last evaluated: 2021-12-09. Review status: criteria provided, single submitter. Criteria: ACMG Guidelines, 2015. Collection method: clinical testing. Allele origin: unknown.

PreventionGenetics, part of Exact Sciences
Classification: Likely benign for CNGB1-related condition. Last evaluated: 2023-02-22. Review status: no assertion criteria provided. Collection method: clinical testing. Allele origin: germline. Not counted in ClinVar's aggregate classification.
Comment: This variant is classified as likely benign based on ACMG/AMP sequence variant interpretation guidelines (Richards et al. 2015 PMID: 25741868, with internal and published modifications).

Institute of Human Genetics, Univ. Regensburg, Univ. Regensburg
Classification: Uncertain significance for Retinal dystrophy. Last evaluated: 2022-01-01. Review status: no assertion criteria provided. Criteria: ACMG Guidelines, 2015. Collection method: clinical testing. Allele origin: germline. Affected: yes. Not counted in ClinVar's aggregate classification.